The following is an entry in ClinVar:

ClinVar aggregate classification (germline): Uncertain significance. Review status: criteria provided, multiple submitters, no conflicts (2 of 4 stars). 2 submissions from 2 submitters: Uncertain significance (2). Last evaluated 2024-12-10.

Conditions:
Inborn genetic diseases. Identifiers: MedGen C0950123, MeSH D030342.

gnomAD v4.1: 3 of 1,612,104 alleles (0.00019%); highest among the groups gnomAD compares: Non-Finnish European, 0.00025%; no homozygotes.

Submissions (2):

Ambry Genetics
Classification: Uncertain significance for Inborn genetic diseases. Last evaluated: 2024-12-10. Review status: criteria provided, single submitter. Criteria: Ambry Variant Classification Scheme 2023. Collection method: clinical testing. Allele origin: germline.
Comment: The p.T134S variant (also known as c.401C>G), located in coding exon 3 of the MBD4 gene, results from a C to G substitution at nucleotide position 401. The threonine at codon 134 is replaced by serine, an amino acid with similar properties. This amino acid position is conserved. In addition, the in silico prediction for this alteration is inconclusive. Based on the available evidence, the clinical significance of this variant remains unclear.

Labcorp Genetics (formerly Invitae), Labcorp
Classification: Uncertain significance. Last evaluated: 2024-07-30. Review status: criteria provided, single submitter. Criteria: Invitae Variant Classification Sherloc (09022015). Collection method: clinical testing. Allele origin: germline.
Comment: This sequence change replaces threonine, which is neutral and polar, with serine, which is neutral and polar, at codon 134 of the MBD4 protein (p.Thr134Ser). This variant is not present in population databases (gnomAD no frequency). This variant has not been reported in the literature in individuals affected with MBD4-related conditions. An algorithm developed to predict the effect of missense changes on protein structure and function outputs the following: PolyPhen-2: "Benign". The serine amino acid residue is found in multiple mammalian species, which suggests that this missense change does not adversely affect protein function. In summary, the available evidence is currently insufficient to determine the role of this variant in disease. Therefore, it has been classified as a Variant of Uncertain Significance.

NM_001276270.2(MBD4):c.401C>G (p.Thr134Ser)

Gene: MBD4 (methyl-CpG binding domain 4, DNA glycosylase; minus strand). Cytogenetic location: 3q21.3.
Variant type: single nucleotide variant.
Coding change: c.401C>G on transcript NM_001276270.2 (MANE Select); coding-DNA position 401, C replaced by G.
Protein change: p.Thr134Ser; replaces threonine 134 with serine.
Molecular consequence: missense variant. On other transcripts: intron variant (1).
Genome position (GRCh38, 1-based): chr3:129,437,243, G>C on the plus strand (C>G on the coding strand, the complement: MBD4 is on the minus strand). VCF-style: chr3-129437243-G-C. GRCh37 (hg19) VCF-style: chr3-129156086-G-C.
Other names: c.401C>G, p.Thr134Ser (NM_001276272.2, NM_003925.3, NM_001276271.2); c.247+565C>G (NM_001276273.2); short protein forms T134S.
Identifiers: ClinVar variation 3543810 (VCV003543810.3).